The following is an entry in ClinVar:

ClinVar aggregate classification (germline): Conflicting classifications of pathogenicity. Review status: criteria provided, conflicting classifications (1 of 4 stars). 2 submissions from 2 submitters: Uncertain significance (1); Likely benign (1). Last evaluated 2025-12-25.

Conditions:
Hereditary cancer-predisposing syndrome. Also called: Tumor predisposition; Neoplastic Syndromes, Hereditary; Hereditary Cancer Syndrome; Hereditary neoplastic syndrome. Identifiers: Orphanet 140162, MedGen C0027672, MeSH D009386, MONDO:0015356.
POLD1-related polyposis and colorectal cancer syndrome (CRCS10). Also called: Colorectal cancer 10; COLORECTAL CANCER, SUSCEPTIBILITY TO, ON CHROMOSOME 19q; Colorectal cancer, susceptibility to, 10. Identifiers: Orphanet 220460, MedGen C2675481, MONDO:0012953, OMIM 612591.

Allele frequency attached by ClinVar (database versions not stated): gnomAD exomes 0.00001 and 0.00002; gnomAD 0.00002; TOPMed 0.00002; ExAC 0.00003.
gnomAD v4.1: 17 of 1,612,504 alleles (0.0011%); highest among the groups gnomAD compares: South Asian, 0.011%; no homozygotes.

Submissions (2):

Labcorp Genetics (formerly Invitae), Labcorp
Classification: Uncertain significance for POLD1-related polyposis and colorectal cancer syndrome. Last evaluated: 2025-12-25. Review status: criteria provided, single submitter. Criteria: Invitae Variant Classification Sherloc (09022015). Collection method: clinical testing. Allele origin: germline.
Comment: This sequence change replaces glycine, which is neutral and non-polar, with serine, which is neutral and polar, at codon 578 of the POLD1 protein (p.Gly578Ser). This variant is present in population databases (rs753850419, gnomAD 0.01%). This missense change has been observed in individual(s) with breast cancer (PMID: 35534704). ClinVar contains an entry for this variant (Variation ID: 582070). Invitae Evidence Modeling of protein sequence and biophysical properties (such as structural, functional, and spatial information, amino acid conservation, physicochemical variation, residue mobility, and thermodynamic stability) indicates that this missense variant is not expected to disrupt POLD1 protein function with a negative predictive value of 80%. In summary, the available evidence is currently insufficient to determine the role of this variant in disease. Therefore, it has been classified as a Variant of Uncertain Significance.

Ambry Genetics
Classification: Likely benign for Hereditary cancer-predisposing syndrome. Last evaluated: 2024-03-28. Review status: criteria provided, single submitter. Criteria: Ambry Variant Classification Scheme 2023. Collection method: clinical testing. Allele origin: germline.

Literature cited by the submitters: PubMed 35534704 (cited by Labcorp Genetics (formerly Invitae), Labcorp).

NM_002691.4(POLD1):c.1732G>A (p.Gly578Ser)

Gene: POLD1 (DNA polymerase delta 1, catalytic subunit; plus strand). Cytogenetic location: 19q13.33.
Variant type: single nucleotide variant.
Coding change: c.1732G>A on transcript NM_002691.4 (MANE Select); coding-DNA position 1732, G replaced by A.
Protein change: p.Gly578Ser; replaces glycine 578 with serine.
Molecular consequence: missense variant. On other transcripts: non-coding transcript variant (1).
Genome position (GRCh38, 1-based): chr19:50,407,372, G>A. VCF-style: chr19-50407372-G-A. GRCh37 (hg19) VCF-style: chr19-50910629-G-A.
Other names: c.1732G>A, p.Gly578Ser (NM_001256849.1, NM_001308632.1); c.1732G>A (NM_002691.2); short protein forms G578S.
Identifiers: ClinVar variation 582070 (VCV000582070.11), dbSNP rs753850419, ClinGen allele CA9596244.